The following is an entry in ClinVar:

NM_213599.3(ANO5):c.932C>T (p.Thr311Ile)

Gene: ANO5 (anoctamin 5; plus strand). Cytogenetic location: 11p14.3.
Variant type: single nucleotide variant.
Coding change: c.932C>T on transcript NM_213599.3 (MANE Select); coding-DNA position 932, C replaced by T.
Protein change: p.Thr311Ile; replaces threonine 311 with isoleucine.
Molecular consequence: missense variant.
Genome position (GRCh38, 1-based): chr11:22,250,290, C>T. VCF-style: chr11-22250290-C-T. GRCh37 (hg19) VCF-style: chr11-22271836-C-T.
Other names: c.929C>T, p.Thr310Ile (NM_001142649.2); c.890C>T, p.Thr297Ile (NM_001410963.1); c.887C>T, p.Thr296Ile (NM_001410964.1); short protein forms T297I, T311I, T296I, T310I.
Identifiers: ClinVar variation 2938743 (VCV002938743.3), dbSNP rs1564935740, ClinGen allele CA379920755.

ClinVar aggregate classification (germline): Uncertain significance (1 of 4 stars; one submission).

Conditions:
Gnathodiaphyseal dysplasia (GDD). Also called: GNATHODIAPHYSEAL SCLEROSIS; OSTEOGENESIS IMPERFECTA WITH UNUSUAL SKELETAL LESIONS. Identifiers: Orphanet 53697, MedGen C1833736, MONDO:0008151, OMIM 166260.
Autosomal recessive limb-girdle muscular dystrophy type 2L (LGMDR12). Also called: Limb-girdle muscular dystrophy, type 2L; MUSCULAR DYSTROPHY, LIMB-GIRDLE, AUTOSOMAL RECESSIVE 12; Limb-Girdle Muscular Dystrophy R12 Anoctamin-5-Related (LGMD-R12). Identifiers: Orphanet 206549, MedGen C1969785, MONDO:0012652, OMIM 611307.

Allele frequency attached by ClinVar (database versions not stated): gnomAD exomes below 0.00001.
gnomAD v4.1: 1 of 1,610,612 alleles (0.000062%); highest among the groups gnomAD compares: African/African-American, 0.0013%; no homozygotes.

Submission:

Labcorp Genetics (formerly Invitae), Labcorp
Classification: Uncertain significance for Autosomal recessive limb-girdle muscular dystrophy type 2L; Gnathodiaphyseal dysplasia. Last evaluated: 2024-08-19. Review status: criteria provided, single submitter. Criteria: Invitae Variant Classification Sherloc (09022015). Collection method: clinical testing. Allele origin: germline.
Comment: This sequence change replaces threonine, which is neutral and polar, with isoleucine, which is neutral and non-polar, at codon 311 of the ANO5 protein (p.Thr311Ile). This variant is not present in population databases (gnomAD no frequency). This variant has not been reported in the literature in individuals affected with ANO5-related conditions. Invitae Evidence Modeling of protein sequence and biophysical properties (such as structural, functional, and spatial information, amino acid conservation, physicochemical variation, residue mobility, and thermodynamic stability) indicates that this missense variant is expected to disrupt ANO5 protein function with a positive predictive value of 95%. In summary, the available evidence is currently insufficient to determine the role of this variant in disease. Therefore, it has been classified as a Variant of Uncertain Significance.